The following is an entry in ClinVar:

NM_001375524.1(TRRAP):c.3904G>A (p.Ala1302Thr)

Gene: TRRAP (transformation/transcription domain associated protein; plus strand). Cytogenetic location: 7q22.1.
Variant type: single nucleotide variant.
Coding change: c.3904G>A on transcript NM_001375524.1 (MANE Select); coding-DNA position 3904, G replaced by A.
Protein change: p.Ala1302Thr; replaces alanine 1302 with threonine.
Molecular consequence: missense variant.
Genome position (GRCh38, 1-based): chr7:98,933,292, G>A. VCF-style: chr7-98933292-G-A. GRCh37 (hg19) VCF-style: chr7-98530915-G-A.
Other names: c.3904G>A, p.Ala1302Thr (NM_001244580.2, NM_003496.4); c.3904G>A (NM_003496.3); short protein forms A1302T.
Identifiers: ClinVar variation 916072 (VCV000916072.2), dbSNP rs1790410600, ClinGen allele CA368303346.
Genomic context (GRCh38, chr7:98,933,292, plus strand): 5'-CTTCCCCAGGTCCTGCAGGATATGGTCCCCCCTAAGAAGCACCTGCTCCGACACCAGCCT[G>A]CCAACGCACAGATTGGCCTGATGGAGGGGAACACGTTCTGTACCACGTTGCAGCCCAGGC-3'
Protein context (NP_001362453.1, residues 1292-1312): PKKHLLRHQP[Ala1302Thr]NAQIGLMEGN

ClinVar aggregate classification (germline): Uncertain significance. Review status: criteria provided, multiple submitters, no conflicts (2 of 4 stars). 2 submissions from 2 submitters: Uncertain significance (2). Last evaluated 2024-12-17.

Submissions (2):

GeneDx
Classification: Uncertain significance. Last evaluated: 2024-12-17. Review status: criteria provided, single submitter. Criteria: GeneDx Variant Classification Process June 2021. Collection method: clinical testing. Allele origin: germline. Affected: yes.
Comment: Not observed at significant frequency in large population cohorts (gnomAD); In silico analysis indicates that this missense variant does not alter protein structure/function; Has not been previously published as pathogenic or benign to our knowledge

Laboratory of Molecular Genetics (Pr. Bezieau's lab), CHU de Nantes
Classification: Uncertain significance. Last evaluated: 2019-05-14. Review status: criteria provided, single submitter. Criteria: ACMG Guidelines, 2015. Collection method: clinical testing. Allele origin: germline. Affected: yes.